The following is an entry in ClinVar:

ClinVar aggregate classification (germline): Uncertain significance (1 of 4 stars; one submission).

Conditions:
Joubert syndrome. Also called: CEREBELLOPARENCHYMAL DISORDER IV; JOUBERT-BOLTSHAUSER SYNDROME; Familial aplasia of the vermis. Identifiers: Orphanet 475, MedGen C5979921, MONDO:0018772.

Allele frequency attached by ClinVar (database versions not stated): ExAC 0.00001; gnomAD 0.00001; gnomAD exomes 0.00001; TOPMed 0.00002.
gnomAD v4.1: 9 of 1,611,470 alleles (0.00056%); highest among the groups gnomAD compares: African/African-American, 0.0013%; no homozygotes.

Submission:

Labcorp Genetics (formerly Invitae), Labcorp
Classification: Uncertain significance for Joubert syndrome. Last evaluated: 2022-05-11. Review status: criteria provided, single submitter. Criteria: Invitae Variant Classification Sherloc (09022015). Collection method: clinical testing. Allele origin: germline.
Comment: This sequence change affects codon 1055 of the AHI1 mRNA. It is a 'silent' change, meaning that it does not change the encoded amino acid sequence of the AHI1 protein. This variant also falls at the last nucleotide of exon 23, which is part of the consensus splice site for this exon. The frequency data for this variant in the population databases is considered unreliable, as metrics indicate poor data quality at this position in the gnomAD database. This variant has not been reported in the literature in individuals affected with AHI1-related conditions. Variants that disrupt the consensus splice site are a relatively common cause of aberrant splicing (PMID: 17576681, 9536098). Algorithms developed to predict the effect of sequence changes on RNA splicing suggest that this variant may disrupt the consensus splice site. In summary, the available evidence is currently insufficient to determine the role of this variant in disease. Therefore, it has been classified as a Variant of Uncertain Significance.

Literature cited by the submitters: PubMed 17576681; PubMed 9536098.

NM_001134831.2(AHI1):c.3165G>A (p.Thr1055=)

Gene: AHI1 (Abelson helper integration site 1; minus strand). Cytogenetic location: 6q23.3.
Variant type: single nucleotide variant.
Coding change: c.3165G>A on transcript NM_001134831.2 (MANE Select); coding-DNA position 3165, G replaced by A.
Protein change: p.Thr1055=; no amino-acid change (threonine 1055 retained).
Molecular consequence: synonymous variant.
Genome position (GRCh38, 1-based): chr6:135,358,132, C>T on the plus strand (G>A on the coding strand, the complement: AHI1 is on the minus strand). VCF-style: chr6-135358132-C-T. GRCh37 (hg19) VCF-style: chr6-135679270-C-T.
Other names: c.3165G>A, p.Thr1055= (NM_001134830.2, NM_001350503.2, NM_001350504.2 and 1 more transcripts).
Identifiers: ClinVar variation 2150230 (VCV002150230.1), dbSNP rs781211701, ClinGen allele CA4012096.